The following is an entry in ClinVar:

ClinVar aggregate classification (germline): Pathogenic (1 of 4 stars; one submission).

Conditions:
Neurofibromatosis, type 1 (NF1). Also called: VON RECKLINGHAUSEN DISEASE; Peripheral type neurofibromatosis; NEUROFIBROMATOSIS, TYPE I, SOMATIC; Neurofibromatosis, type I. Identifiers: Orphanet 636, MedGen C0027831, MONDO:0018975, OMIM 162200. Disease mechanism: loss of function.

Submission:

Labcorp Genetics (formerly Invitae), Labcorp
Classification: Pathogenic for Neurofibromatosis, type 1. Last evaluated: 2025-06-30. Review status: criteria provided, single submitter. Criteria: Invitae Variant Classification Sherloc (09022015). Collection method: clinical testing. Allele origin: germline.
Comment: This sequence change creates a premature translational stop signal (p.Gln2281Serfs*17) in the NF1 gene. It is expected to result in an absent or disrupted protein product. Loss-of-function variants in NF1 are known to be pathogenic (PMID: 10712197, 23913538). This variant is not present in population databases (gnomAD no frequency). This premature translational stop signal has been observed in individual(s) with Neurofibromatosis, type 1 (PMID: 23656349). For these reasons, this variant has been classified as Pathogenic.

Literature cited by the submitters: PubMed 10712197; PubMed 23913538; PubMed 23656349.

NM_001042492.3(NF1):c.6904del (p.Gln2302fs)

Gene: NF1 (neurofibromin 1; plus strand). Cytogenetic location: 17q11.2.
Variant type: Deletion.
Coding change: c.6904del on transcript NM_001042492.3 (MANE Select); coding-DNA position 6904, one base deleted (C; older notation c.6904delC).
Protein change: p.Gln2302fs; shifts the reading frame from glutamine 2302.
Molecular consequence: frameshift variant.
Genome position (GRCh38, 1-based): chr17:31,338,788, C deleted. VCF-style (leftmost placement, unchanged base first): chr17-31338787-AC-A. GRCh37 (hg19) VCF-style: chr17-29665805-AC-A.
Other names: c.6841del, p.Gln2281fs (NM_000267.4); short protein forms Q2281fs, Q2302fs.
Identifiers: ClinVar variation 4710366 (VCV004710366.1).